The following is an entry in ClinVar:

ClinVar aggregate classification (germline): Conflicting classifications of pathogenicity. Review status: criteria provided, conflicting classifications (1 of 4 stars). 2 submissions from 2 submitters: Uncertain significance (1); Likely benign (1). Last evaluated 2026-04-22.

Conditions:
RAF1-related disorder. Also called: RAF1-related disorders; RAF1-related condition.
RASopathy. Also called: rasopathies; Noonan spectrum disorder. Identifiers: Orphanet 536391, MedGen C5555857, MONDO:0021060.

Allele frequency attached by ClinVar (database versions not stated): gnomAD exomes below 0.00001; TOPMed 0.00001; gnomAD 0.00003.
gnomAD v4.1: 6 of 1,611,320 alleles (0.00037%); highest among the groups gnomAD compares: African/African-American, 0.008%; no homozygotes.

Submissions (2):

PreventionGenetics, part of Exact Sciences
Classification: Uncertain significance for RAF1-related condition. Last evaluated: 2026-04-22. Review status: criteria provided, single submitter. Criteria: ACMG Guidelines, 2015. Collection method: clinical testing. Allele origin: germline.
Comment: The RAF1 c.592A>T variant is predicted to result in the amino acid substitution p.Asn198Tyr. To our knowledge, this variant has not been reported in the literature. This variant is reported in 0.023% of alleles in individuals of African descent in gnomAD. Although we suspect that this variant may be benign, at this time, the clinical significance of this variant is uncertain due to the absence of conclusive functional and genetic evidence.

Labcorp Genetics (formerly Invitae), Labcorp
Classification: Likely benign for RASopathy. Last evaluated: 2024-09-15. Review status: criteria provided, single submitter. Criteria: Invitae Variant Classification Sherloc (09022015). Collection method: clinical testing. Allele origin: germline.

NM_002880.4(RAF1):c.592A>T (p.Asn198Tyr)

Gene: RAF1 (Raf-1 proto-oncogene, serine/threonine kinase; minus strand). Cytogenetic location: 3p25.2.
Variant type: single nucleotide variant.
Coding change: c.592A>T on transcript NM_002880.4 (MANE Select); coding-DNA position 592, A replaced by T.
Protein change: p.Asn198Tyr; replaces asparagine 198 with tyrosine.
Molecular consequence: missense variant. On other transcripts: non-coding transcript variant (3), intron variant (2).
Genome position (GRCh38, 1-based): chr3:12,606,289, T>A on the plus strand (A>T on the coding strand, the complement: RAF1 is on the minus strand). VCF-style: chr3-12606289-T-A. GRCh37 (hg19) VCF-style: chr3-12647788-T-A.
Other names: c.592A>T, p.Asn198Tyr (NM_001354689.3, NM_001354690.3); c.349A>T, p.Asn117Tyr (NM_001354691.3, NM_001354692.3, NM_001354694.3); c.339-2000A>T (NM_001354695.3); c.582-2000A>T (NM_001354693.3); c.592A>T (NM_002880.3); short protein forms N117Y, N198Y.
Identifiers: ClinVar variation 1523216 (VCV001523216.7), dbSNP rs1208112942, ClinGen allele CA351515109.